The following is an entry in ClinVar:

NM_022436.3(ABCG5):c.881A>G (p.His294Arg)

Genes: ABCG5 (ATP binding cassette subfamily G member 5; minus strand), DYNC2LI1 (dynein cytoplasmic 2 light intermediate chain 1; plus strand). Cytogenetic location: 2p21.
Variant type: single nucleotide variant.
Coding change: c.881A>G on transcript NM_022436.3 (MANE Select); coding-DNA position 881, A replaced by G.
Protein change: p.His294Arg; replaces histidine 294 with arginine.
Molecular consequence: missense variant. On other transcripts: intron variant (2).
Genome position (GRCh38, 1-based): chr2:43,824,912, T>C on the plus strand (A>G on the coding strand, the complement: ABCG5 is on the minus strand). VCF-style: chr2-43824912-T-C. GRCh37 (hg19) VCF-style: chr2-44052051-T-C.
Other names: c.*16-2474T>C (NM_001348913.2, NM_001348912.2); short protein forms H294R.
Identifiers: ClinVar variation 3310234 (VCV003310234.1).
Genomic context (GRCh38, chr2:43,824,912, plus strand): 5'-AAACATTCATGATGGGGAATGTGAAAGAAAAACTTACTATAGAAGTCAAAAGGGTTTGAA[T>C]GTTCAGGACAAGGGTAACCGCAGTCATTGAAGAAATCAAGCATTTCCGCTGGCGTGCCAC-3'
Protein context (NP_071881.1, residues 284-304): FNDCGYPCPE[His294Arg]SNPFDFYMDL

ClinVar aggregate classification (germline): Uncertain significance (1 of 4 stars; one submission).

Conditions:
Cardiovascular phenotype. Identifiers: MedGen CN230736.

Submission:

Ambry Genetics
Classification: Uncertain significance for Cardiovascular phenotype. Last evaluated: 2024-04-12. Review status: criteria provided, single submitter. Criteria: Ambry Variant Classification Scheme 2023. Collection method: clinical testing. Allele origin: germline.
Comment: The p.H294R variant (also known as c.881A>G), located in coding exon 7 of the ABCG5 gene, results from an A to G substitution at nucleotide position 881. The histidine at codon 294 is replaced by arginine, an amino acid with highly similar properties. This amino acid position is conserved. In addition, this alteration is predicted to be tolerated by in silico analysis. Based on the available evidence, the clinical significance of this variant remains unclear.